The following is an entry in ClinVar:

NM_002838.5(PTPRC):c.2403+1G>A

Gene: PTPRC (protein tyrosine phosphatase receptor type C; plus strand). Cytogenetic location: 1q32.1.
Variant type: single nucleotide variant.
Coding change: c.2403+1G>A on transcript NM_002838.5 (MANE Select); the canonical splice donor site of the intron after coding-DNA position 2403, G replaced by A.
Molecular consequence: splice donor variant.
Genome position (GRCh38, 1-based): chr1:198,735,253, G>A. VCF-style: chr1-198735253-G-A. GRCh37 (hg19) VCF-style: chr1-198704382-G-A.
Other names: c.1920+1G>A (NM_080921.4).
Identifiers: ClinVar variation 533063 (VCV000533063.7), dbSNP rs1553243550, ClinGen allele CA344049168.
Genomic context (GRCh38, chr1:198,735,253, plus strand): 5'-AAGATCAACCAGCACAAAAGATGTCCAGATTACATCATTCAGAAATTGAACATTGTAAAT[G>A]TGAGTTTGCTTTTTACATAATTTTTGTTTTGATACTTTTTTATAAAAATATAATTATGGA-3'

ClinVar aggregate classification (germline): Likely pathogenic (1 of 4 stars; one submission).

Conditions:
Immunodeficiency 104. Also called: Severe combined immunodeficiency, autosomal recessive, T cell-negative, B cell-positive, NK cell-positive; SCID, AUTOSOMAL RECESSIVE, T CELL-NEGATIVE, B CELL-POSITIVE, NK CELL-POSITIVE; Severe Combined Immune Deficiency, Autosomal Recessive, TCell -Negative, B Cell-Positive, NK Cell-Positive, IL7R-Related; IMMUNODEFICIENCY 104, SEVERE COMBINED. Identifiers: MedGen C5676890, MONDO:0012163, OMIM 608971.

Submission:

Labcorp Genetics (formerly Invitae), Labcorp
Classification: Likely pathogenic for Immunodeficiency 104. Last evaluated: 2024-02-24. Review status: criteria provided, single submitter. Criteria: Invitae Variant Classification Sherloc (09022015). Collection method: clinical testing. Allele origin: germline.
Comment: This sequence change affects a donor splice site in intron 23 of the PTPRC gene. It is expected to disrupt RNA splicing. Variants that disrupt the donor or acceptor splice site typically lead to a loss of protein function (PMID: 16199547), and loss-of-function variants in PTPRC are known to be pathogenic (PMID: 10700239). This variant is not present in population databases (gnomAD no frequency). This variant has not been reported in the literature in individuals affected with PTPRC-related conditions. ClinVar contains an entry for this variant (Variation ID: 533063). Algorithms developed to predict the effect of sequence changes on RNA splicing suggest that this variant may disrupt the consensus splice site. In summary, the currently available evidence indicates that the variant is pathogenic, but additional data are needed to prove that conclusively. Therefore, this variant has been classified as Likely Pathogenic.

Literature cited by the submitters: PubMed 16199547; PubMed 10700239.